The following is an entry in ClinVar:

ClinVar aggregate classification (germline): Uncertain significance. Review status: criteria provided, multiple submitters, no conflicts (2 of 4 stars). 3 submissions from 3 submitters: Uncertain significance (3). Last evaluated 2025-10-13.

Conditions:
Duchenne muscular dystrophy (DMD). Also called: MUSCULAR DYSTROPHY, PSEUDOHYPERTROPHIC PROGRESSIVE, DUCHENNE TYPE; Duchenne Muscular Dystrophy (DMD). Identifiers: Orphanet 98896, MedGen C0013264, MONDO:0010679, OMIM 310200.

Allele frequency attached by ClinVar (database versions not stated): gnomAD exomes below 0.00001 and 0.00001; gnomAD 0.00001; TOPMed 0.00002.
gnomAD v4.1: 3 of 1,207,534 alleles (0.00025%); highest among the groups gnomAD compares: African/African-American, 0.0035%; no homozygotes.

Submissions (3):

Labcorp Genetics (formerly Invitae), Labcorp
Classification: Uncertain significance for Duchenne muscular dystrophy. Last evaluated: 2025-10-13. Review status: criteria provided, single submitter. Criteria: Invitae Variant Classification Sherloc (09022015). Collection method: clinical testing. Allele origin: germline.
Comment: This sequence change replaces leucine, which is neutral and non-polar, with proline, which is neutral and non-polar, at codon 2238 of the DMD protein (p.Leu2238Pro). This variant is present in population databases (no rsID available, gnomAD 0.01%). This variant has not been reported in the literature in individuals affected with DMD-related conditions. ClinVar contains an entry for this variant (Variation ID: 1305482). Invitae Evidence Modeling of protein sequence and biophysical properties (such as structural, functional, and spatial information, amino acid conservation, physicochemical variation, residue mobility, and thermodynamic stability) indicates that this missense variant is not expected to disrupt DMD protein function with a negative predictive value of 95%. In summary, the available evidence is currently insufficient to determine the role of this variant in disease. Therefore, it has been classified as a Variant of Uncertain Significance.

Mayo Clinic Laboratories, Mayo Clinic
Classification: Uncertain significance. Last evaluated: 2025-09-19. Review status: criteria provided, single submitter. Criteria: ACMG Guidelines, 2015. Collection method: clinical testing. Allele origin: germline. Observed: 1 variant allele.
Comment: BP4_moderate

GeneDx
Classification: Uncertain significance. Last evaluated: 2019-04-25. Review status: criteria provided, single submitter. Criteria: GeneDx Variant Classification Process June 2021. Collection method: clinical testing. Allele origin: germline. Affected: yes.
Comment: Not observed at a significant frequency in large population cohorts (Lek et al., 2016); In silico analysis, which includes protein predictors and evolutionary conservation, supports that this variant does not alter protein structure/function; Has not been previously published as pathogenic or benign to our knowledge

NM_004006.3(DMD):c.6713T>C (p.Leu2238Pro)

Gene: DMD (dystrophin; minus strand). Cytogenetic location: Xp21.1.
Variant type: single nucleotide variant.
Coding change: c.6713T>C on transcript NM_004006.3 (MANE Select); coding-DNA position 6713, T replaced by C.
Protein change: p.Leu2238Pro; replaces leucine 2238 with proline.
Molecular consequence: missense variant. On other transcripts: 5 prime UTR variant (5).
Genome position (GRCh38, 1-based): chrX:31,932,129, A>G on the plus strand (T>C on the coding strand, the complement: DMD is on the minus strand). VCF-style: chrX-31932129-A-G. GRCh37 (hg19) VCF-style: chrX-31950246-A-G.
Other names: p.Leu2238Pro; c.6689T>C, p.Leu2230Pro (NM_000109.4); c.6701T>C, p.Leu2234Pro (NM_004009.3); c.6344T>C, p.Leu2115Pro (NM_004010.3); c.2690T>C, p.Leu897Pro (NM_004011.4); c.2681T>C, p.Leu894Pro (NM_004012.4); c.-668T>C (NM_004013.3, NM_004020.4, NM_004021.3 and 2 more transcripts); short protein forms L2115P, L2230P, L2234P, L2238P, L894P, L897P.
Identifiers: ClinVar variation 1305482 (VCV001305482.7), dbSNP rs1263279166, ClinGen allele CA412658199.